The following is an entry in ClinVar:

ClinVar aggregate classification (germline): Uncertain significance (1 of 4 stars; one submission).

gnomAD v4.1: 2 of 1,614,058 alleles (0.00012%); highest among the groups gnomAD compares: Admixed American, 0.0033%; no homozygotes.

Submission:

Labcorp Genetics (formerly Invitae), Labcorp
Classification: Uncertain significance. Last evaluated: 2022-07-05. Review status: criteria provided, single submitter. Criteria: Invitae Variant Classification Sherloc (09022015). Collection method: clinical testing. Allele origin: germline.
Comment: This sequence change affects codon 475 of the TPP1 mRNA. It is a 'silent' change, meaning that it does not change the encoded amino acid sequence of the TPP1 protein. This variant also falls at the last nucleotide of exon 11, which is part of the consensus splice site for this exon. This variant is present in population databases (rs779333902, gnomAD 0.006%). This variant has not been reported in the literature in individuals affected with TPP1-related conditions. Variants that disrupt the consensus splice site are a relatively common cause of aberrant splicing (PMID: 17576681, 9536098). Algorithms developed to predict the effect of sequence changes on RNA splicing suggest that this variant may disrupt the consensus splice site. In summary, the available evidence is currently insufficient to determine the role of this variant in disease. Therefore, it has been classified as a Variant of Uncertain Significance.

Literature cited by the submitters: PubMed 17576681; PubMed 9536098.

NM_000391.4(TPP1):c.1425G>C (p.Ser475=)

Gene: TPP1 (tripeptidyl peptidase 1; minus strand). Cytogenetic location: 11p15.4.
Variant type: single nucleotide variant.
Coding change: c.1425G>C on transcript NM_000391.4 (MANE Select); coding-DNA position 1425, G replaced by C.
Protein change: p.Ser475=; no amino-acid change (serine 475 retained).
Molecular consequence: synonymous variant.
Genome position (GRCh38, 1-based): chr11:6,615,171, C>G on the plus strand (G>C on the coding strand, the complement: TPP1 is on the minus strand). VCF-style: chr11-6615171-C-G. GRCh37 (hg19) VCF-style: chr11-6636402-C-G.
Identifiers: ClinVar variation 1962876 (VCV001962876.2), dbSNP rs779333902, ClinGen allele CA5858664.